The following is an entry in ClinVar:

NM_006059.4(LAMC3):c.1303G>A (p.Ala435Thr)

Gene: LAMC3 (laminin subunit gamma 3; plus strand). Cytogenetic location: 9q34.12.
Variant type: single nucleotide variant.
Coding change: c.1303G>A on transcript NM_006059.4 (MANE Select); coding-DNA position 1303, G replaced by A.
Protein change: p.Ala435Thr; replaces alanine 435 with threonine.
Molecular consequence: missense variant.
Genome position (GRCh38, 1-based): chr9:131,041,656, G>A. VCF-style: chr9-131041656-G-A. GRCh37 (hg19) VCF-style: chr9-133917043-G-A.
Other names: c.1303G>A (NM_006059.3); short protein forms A435T.
Identifiers: ClinVar variation 1416434 (VCV001416434.4), dbSNP rs371299880, ClinGen allele CA5287035.

ClinVar aggregate classification (germline): Uncertain significance. Review status: criteria provided, multiple submitters, no conflicts (2 of 4 stars). 3 submissions from 3 submitters: Uncertain significance (3). Last evaluated 2025-05-16.

Conditions:
Inborn genetic diseases. Identifiers: MedGen C0950123, MeSH D030342.

Allele frequency attached by ClinVar (database versions not stated): gnomAD 0.00005 and 0.00006; ESP Exome Variant Server 0.00008; 1000 Genomes Project 30x 0.00016; TOPMed 0.00005; 1000 Genomes Project 0.00020.
gnomAD v4.1: 77 of 1,614,012 alleles (0.0048%); highest among the groups gnomAD compares: East Asian, 0.0089%; no homozygotes.

Submissions (3):

Ambry Genetics
Classification: Uncertain significance for Inborn genetic diseases. Last evaluated: 2025-05-16. Review status: criteria provided, single submitter. Criteria: Ambry Variant Classification Scheme 2023. Collection method: clinical testing. Allele origin: germline.

GeneDx
Classification: Uncertain significance. Last evaluated: 2022-11-28. Review status: criteria provided, single submitter. Criteria: GeneDx Variant Classification Process June 2021. Collection method: clinical testing. Allele origin: germline. Affected: yes.
Comment: Not observed at significant frequency in large population cohorts (gnomAD); In silico analysis supports that this missense variant has a deleterious effect on protein structure/function; Has not been previously published as pathogenic or benign to our knowledge

Labcorp Genetics (formerly Invitae), Labcorp
Classification: Uncertain significance. Last evaluated: 2022-09-15. Review status: criteria provided, single submitter. Criteria: Invitae Variant Classification Sherloc (09022015). Collection method: clinical testing. Allele origin: germline.
Comment: This sequence change replaces alanine, which is neutral and non-polar, with threonine, which is neutral and polar, at codon 435 of the LAMC3 protein (p.Ala435Thr). This variant is present in population databases (rs371299880, gnomAD 0.01%). This variant has not been reported in the literature in individuals affected with LAMC3-related conditions. ClinVar contains an entry for this variant (Variation ID: 1416434). Algorithms developed to predict the effect of missense changes on protein structure and function are either unavailable or do not agree on the potential impact of this missense change (SIFT: "Deleterious"; PolyPhen-2: "Possibly Damaging"; Align-GVGD: "Class C0"). In summary, the available evidence is currently insufficient to determine the role of this variant in disease. Therefore, it has been classified as a Variant of Uncertain Significance.